The following is an entry in ClinVar:

NM_000132.4(F8):c.5408_5427del (p.Ser1803fs)

Gene: F8 (coagulation factor VIII; minus strand). Cytogenetic location: Xq28.
Variant type: Deletion.
Coding change: c.5408_5427del on transcript NM_000132.4 (MANE Select); coding-DNA positions 5408 to 5427, 20 bases deleted (CCTTCTATTCTAGCCTTATT).
Protein change: p.Ser1803fs; shifts the reading frame from serine 1803.
Molecular consequence: frameshift variant.
Genome position (GRCh38, 1-based): chrX:154,904,970-154,904,989, AATAAGGCTAGAATAGAAGG deleted on the plus strand (CCTTCTATTCTAGCCTTATT on the coding strand, the reverse complement: F8 is on the minus strand); deleting any 20 consecutive bases within chrX:154,904,970-154,904,993 gives the same sequence; the c. name uses the placement nearest the transcript's 3' end. VCF-style (leftmost placement, unchanged base first): chrX-154904969-AAATAAGGCTAGAATAGAAGG-A. GRCh37 (hg19) VCF-style: chrX-154133244-AAATAAGGCTAGAATAGAAGG-A.
Other names: short protein forms S1803fs.
Identifiers: ClinVar variation 4685696 (VCV004685696.1).

ClinVar aggregate classification (germline): Likely pathogenic (1 of 4 stars; one submission).

Submission:

ARUP Laboratories, Molecular Genetics and Genomics, ARUP Laboratories
Classification: Likely pathogenic. Last evaluated: 2024-12-13. Review status: criteria provided, single submitter. Criteria: ARUP Molecular Germline Variant Investigation Process 2024. Collection method: clinical testing. Allele origin: germline.
Comment: The F8 c.5408_5427del; p.Ser1803PhefsTer3 variant, to our knowledge, is not reported in the medical literature or gene specific databases. This variant is also absent from the Genome Aggregation Database (v2.1.1), indicating it is not a common polymorphism. This variant causes a frameshift by deleting 20 nucleotides, so it is predicted to result in a truncated protein or mRNA subject to nonsense-mediated decay. Based on available information, this variant is considered to be likely pathogenic.